The following is an entry in ClinVar:

NM_015102.5(NPHP4):c.1634G>C (p.Gly545Ala)

Gene: NPHP4 (nephrocystin 4; minus strand). Cytogenetic location: 1p36.31.
Variant type: single nucleotide variant.
Coding change: c.1634G>C on transcript NM_015102.5 (MANE Select); coding-DNA position 1634, G replaced by C.
Protein change: p.Gly545Ala; replaces glycine 545 with alanine.
Molecular consequence: missense variant. On other transcripts: non-coding transcript variant (1).
Genome position (GRCh38, 1-based): chr1:5,905,761, C>G on the plus strand (G>C on the coding strand, the complement: NPHP4 is on the minus strand). VCF-style: chr1-5905761-C-G. GRCh37 (hg19) VCF-style: chr1-5965821-C-G.
Other names: c.95G>C, p.Gly32Ala (NM_001291593.2); c.98G>C, p.Gly33Ala (NM_001291594.2); short protein forms G32A, G33A, G545A.
Identifiers: ClinVar variation 4727266 (VCV004727266.1).

ClinVar aggregate classification (germline): Uncertain significance (1 of 4 stars; one submission).

Conditions:
Nephronophthisis. Also called: Juvenile Nephronophthisis. Identifiers: Orphanet 655, MedGen C0687120, MONDO:0019005, HP:0000090.

gnomAD v4.1: 3 of 1,610,724 alleles (0.00019%); highest among the groups gnomAD compares: Admixed American, 0.005%; no homozygotes.

Submission:

Labcorp Genetics (formerly Invitae), Labcorp
Classification: Uncertain significance for Nephronophthisis. Last evaluated: 2025-11-14. Review status: criteria provided, single submitter. Criteria: Invitae Variant Classification Sherloc (09022015). Collection method: clinical testing. Allele origin: germline.
Comment: This sequence change replaces glycine, which is neutral and non-polar, with alanine, which is neutral and non-polar, at codon 545 of the NPHP4 protein (p.Gly545Ala). This variant is not present in population databases (gnomAD no frequency). This variant has not been reported in the literature in individuals affected with NPHP4-related conditions. Invitae Evidence Modeling of protein sequence and biophysical properties (such as structural, functional, and spatial information, amino acid conservation, physicochemical variation, residue mobility, and thermodynamic stability) indicates that this missense variant is not expected to disrupt NPHP4 protein function with a negative predictive value of 80%. In summary, the available evidence is currently insufficient to determine the role of this variant in disease. Therefore, it has been classified as a Variant of Uncertain Significance.